The following is an entry in ClinVar:

NM_004859.4(CLTC):c.685C>G (p.His229Asp)

Gene: CLTC (clathrin heavy chain; plus strand). Cytogenetic location: 17q23.1.
Variant type: single nucleotide variant.
Coding change: c.685C>G on transcript NM_004859.4 (MANE Select); coding-DNA position 685, C replaced by G.
Protein change: p.His229Asp; replaces histidine 229 with aspartic acid.
Molecular consequence: missense variant.
Genome position (GRCh38, 1-based): chr17:59,651,206, C>G. VCF-style: chr17-59651206-C-G. GRCh37 (hg19) VCF-style: chr17-57728567-C-G.
Other names: c.697C>G, p.His233Asp (NM_001288653.2); short protein forms H229D, H233D.
Identifiers: ClinVar variation 4883327 (VCV004883327.2).

ClinVar aggregate classification (germline): Uncertain significance (1 of 4 stars; one submission).

Conditions:
Intellectual developmental disorder, autosomal dominant 56. Also called: MENTAL RETARDATION, AUTOSOMAL DOMINANT 56; Intellectual disability, autosomal dominant 56. Identifiers: MedGen C4693389, MONDO:0030922, OMIM 617854.

Submission:

Dasa
Classification: Uncertain significance for Intellectual developmental disorder, autosomal dominant 56. Last evaluated: 2026-01-10. Review status: criteria provided, single submitter. Criteria: DASA Assertion Criteria. Collection method: clinical testing. Allele origin: germline.
Comment: NM_004859.4(CLTC):c.685C>G (p.His229Asp) is a missense variant that results in the substitution of histidine with aspartic acid. This variant is absent from population databases. Computational prediction algorithms are consistent with a deleterious effect. The currently available literature and clinical evidence are not sufficient to establish a definitive association between this variant and the reported condition. Therefore, this variant is classified as a variant of uncertain significance.